The following is an entry in ClinVar:

NM_001367624.2(ZNF469):c.11212C>T (p.Pro3738Ser)

Gene: ZNF469 (zinc finger protein 469; plus strand). Cytogenetic location: 16q24.2.
Variant type: single nucleotide variant.
Coding change: c.11212C>T on transcript NM_001367624.2 (MANE Select); coding-DNA position 11212, C replaced by T.
Protein change: p.Pro3738Ser; replaces proline 3738 with serine.
Molecular consequence: missense variant.
Genome position (GRCh38, 1-based): chr16:88,438,682, C>T. VCF-style: chr16-88438682-C-T. GRCh37 (hg19) VCF-style: chr16-88505090-C-T.
Other names: short protein forms P3738S.
Identifiers: ClinVar variation 2088508 (VCV002088508.4), dbSNP rs1444294763, ClinGen allele CA397129385.

ClinVar aggregate classification (germline): Uncertain significance (1 of 4 stars; one submission).

Allele frequency attached by ClinVar (database versions not stated): gnomAD exomes below 0.00001.
gnomAD v4.1: 2 of 1,550,050 alleles (0.00013%); highest among the groups gnomAD compares: Non-Finnish European, 0.00017%; no homozygotes.

Submission:

Labcorp Genetics (formerly Invitae), Labcorp
Classification: Uncertain significance. Last evaluated: 2022-01-26. Review status: criteria provided, single submitter. Criteria: Invitae Variant Classification Sherloc (09022015). Collection method: clinical testing. Allele origin: germline.
Comment: In summary, the available evidence is currently insufficient to determine the role of this variant in disease. Therefore, it has been classified as a Variant of Uncertain Significance. Algorithms developed to predict the effect of missense changes on protein structure and function (SIFT, PolyPhen-2, Align-GVGD) all suggest that this variant is likely to be tolerated. This variant has not been reported in the literature in individuals affected with ZNF469-related conditions. This variant is not present in population databases (gnomAD no frequency). This sequence change replaces proline, which is neutral and non-polar, with serine, which is neutral and polar, at codon 3710 of the ZNF469 protein (p.Pro3710Ser).